The following is an entry in ClinVar:

NM_001177316.2(SLC34A3):c.709G>A (p.Asp237Asn)

Gene: SLC34A3 (solute carrier family 34 member 3; plus strand). Cytogenetic location: 9q34.3.
Variant type: single nucleotide variant.
Coding change: c.709G>A on transcript NM_001177316.2 (MANE Select); coding-DNA position 709, G replaced by A.
Protein change: p.Asp237Asn; replaces aspartic acid 237 with asparagine.
Molecular consequence: missense variant.
Genome position (GRCh38, 1-based): chr9:137,233,357, G>A. VCF-style: chr9-137233357-G-A. GRCh37 (hg19) VCF-style: chr9-140127809-G-A.
Other names: c.709G>A, p.Asp237Asn (NM_001177317.2, NM_080877.3); short protein forms D237N.
Identifiers: ClinVar variation 281903 (VCV000281903.21), dbSNP rs145877051, ClinGen allele CA5364532.
Genomic context (GRCh38, chr9:137,233,357, plus strand): 5'-GAGAGGCTAAGTGAGCTAGCCCTGGGTGCCGCCAGCCTGACACCCAGGGCGCAGGCGCCC[G>A]ACATCCTCAAGGTGCTGACGAAGCCGCTCACACACCTCATCGTGCAGGTGAGGACGGCCA-3'
Protein context (NP_001170787.2, residues 227-247): ASLTPRAQAP[Asp237Asn]ILKVLTKPLT

ClinVar aggregate classification (germline): Benign/Likely benign. Review status: criteria provided, multiple submitters, no conflicts (2 of 4 stars). 7 submissions from 7 submitters: Benign (1); Likely benign (3). 3 of the submissions do not count toward it. Last evaluated 2026-02-02.

Conditions:
SLC34A3-related disorder. Also called: SLC34A3-related condition.
Autosomal recessive hypophosphatemic bone disease (HHRH). Also called: HYPERCALCIURIC RICKETS; Hypophosphatemic rickets with hypercalciuria. Identifiers: Orphanet 157215, MedGen C1853271, MONDO:0009431, OMIM 241530.

Allele frequency attached by ClinVar (database versions not stated): ESP Exome Variant Server 0.00116; TOPMed 0.00138; 1000 Genomes Project 0.00180; 1000 Genomes Project 30x 0.00219.
gnomAD v4.1: 2,544 of 1,606,484 alleles (0.16%); highest among the groups gnomAD compares: Non-Finnish European, 0.19%; 6 homozygotes.

Submissions (7):

Labcorp Genetics (formerly Invitae), Labcorp
Classification: Likely benign. Last evaluated: 2026-02-02. Review status: criteria provided, single submitter. Criteria: Invitae Variant Classification Sherloc (09022015). Collection method: clinical testing. Allele origin: germline.

Women's Health and Genetics/Laboratory Corporation of America, LabCorp
Classification: Benign. Last evaluated: 2026-01-19. Review status: criteria provided, single submitter. Criteria: LabCorp Variant Classification Summary - May 2015. Collection method: clinical testing. Allele origin: germline.
Comment: Variant summary: SLC34A3 c.709G>A (p.Asp237Asn) results in a conservative amino acid change in the encoded protein sequence. Algorithms developed to predict the effect of missense changes on protein structure and function are either unavailable or do not agree on the potential impact of this missense change. The variant allele was found at a frequency of 0.0016 in 228896 control chromosomes, predominantly at a frequency of 0.0025 within the Non-Finnish European subpopulation in the gnomAD database, including 2 homozygotes. The presence of unaffected homozygotes in the gnomAD database is inconsistent with the early onset/severe presentation of SLC34A3-related conditions. The observed variant frequency within Non-Finnish European control individuals in the gnomAD database exceeds the estimated maximal expected allele frequency for disease-causing variants in SLC34A3. To our knowledge, no occurrence of c.709G>A in individuals affected with SLC34A3-related conditions has been reported. At least one publication reports experimental evidence evaluating an impact on protein function. The most pronounced variant effect results in >50%-90% of normal activity (Zhu_2025). The following publications have been ascertained in the context of this evaluation (PMID: 38364990, 35663378, 30109410, 24825865). ClinVar contains an entry for this variant (Variation ID: 281903). Based on the evidence outlined above, the variant was classified as benign.

Fulgent Genetics
Classification: Likely benign for Autosomal recessive hypophosphatemic bone disease. Last evaluated: 2022-01-19. Review status: criteria provided, single submitter. Criteria: ACMG Guidelines, 2015. Collection method: clinical testing. Allele origin: unknown.

Eurofins Ntd Llc (ga)
Classification: Likely benign. Last evaluated: 2015-07-16. Review status: criteria provided, single submitter. Criteria: EGL Classification Definitions 2015. Collection method: clinical testing. Allele origin: germline. Observed: 1 variant allele, 1 heterozygote.

PreventionGenetics, part of Exact Sciences
Classification: Likely benign for SLC34A3-related condition. Last evaluated: 2021-03-23. Review status: no assertion criteria provided. Collection method: clinical testing. Allele origin: germline. Not counted in ClinVar's aggregate classification.
Comment: This variant is classified as likely benign based on ACMG/AMP sequence variant interpretation guidelines (Richards et al. 2015 PMID: 25741868, with internal and published modifications).

Clinical Genetics DNA and cytogenetics Diagnostics Lab, Erasmus MC, Erasmus Medical Center
Classification: Uncertain significance. Review status: no assertion criteria provided. Collection method: clinical testing. Allele origin: germline. Affected: yes. Study: VKGL Data-share Consensus. Not counted in ClinVar's aggregate classification.

Laboratory of Diagnostic Genome Analysis, Leiden University Medical Center (LUMC)
Classification: Uncertain significance. Review status: no assertion criteria provided. Collection method: clinical testing. Allele origin: germline. Affected: yes. Study: VKGL Data-share Consensus. Not counted in ClinVar's aggregate classification.

Literature cited by the submitters: PubMed 24825865 (cited by Women's Health and Genetics/Laboratory Corporation of America, LabCorp); PubMed 35663378 (cited by Women's Health and Genetics/Laboratory Corporation of America, LabCorp); PubMed 30109410 (cited by Women's Health and Genetics/Laboratory Corporation of America, LabCorp); PubMed 38364990 (cited by Women's Health and Genetics/Laboratory Corporation of America, LabCorp).